The following is an entry in ClinVar:

NM_021625.5(TRPV4):c.1087_1088delinsTT (p.Glu363Leu)

Gene: TRPV4 (transient receptor potential cation channel subfamily V member 4; minus strand). Cytogenetic location: 12q24.11.
Variant type: Indel.
Coding change: c.1087_1088delinsTT on transcript NM_021625.5 (MANE Select); coding-DNA positions 1087 to 1088, GA replaced by TT.
Protein change: p.Glu363Leu; replaces glutamic acid 363 with leucine.
Molecular consequence: missense variant.
Genome position (GRCh38, 1-based): chr12:109,798,678-109,798,679, TC replaced by AA on the plus strand (GA replaced by TT on the coding strand, the reverse complement: TRPV4 is on the minus strand). VCF-style: chr12-109798678-TC-AA. GRCh37 (hg19) VCF-style: chr12-110236483-TC-AA.
Other names: c.946_947delGAinsTT, p.Glu316Leu (NM_001177428.2, NM_001177433.2); c.985_986delGAinsTT, p.Glu329Leu (NM_001177431.2); c.1087_1088delGAinsTT, p.Glu363Leu (NM_021625.4, NM_147204.3); short protein forms E329L, E363L, E316L.
Identifiers: ClinVar variation 862023 (VCV000862023.7), dbSNP rs1890576440, ClinGen allele CA916081680.

ClinVar aggregate classification (germline): Uncertain significance (1 of 4 stars; one submission).

Conditions:
Charcot-Marie-Tooth disease axonal type 2C (HMSN2C). Also called: Charcot-Marie-Tooth Disease Type 2, TRPV4-Related (CMT2C); CHARCOT-MARIE-TOOTH DISEASE, AXONAL, AUTOSOMAL DOMINANT, TYPE 2C; Charcot-Marie-Tooth Neuropathy Type 2C. Identifiers: Orphanet 99937, MedGen C1853710, MONDO:0011633, OMIM 606071.

Submission:

Labcorp Genetics (formerly Invitae), Labcorp
Classification: Uncertain significance for Charcot-Marie-Tooth disease axonal type 2C. Last evaluated: 2023-02-28. Review status: criteria provided, single submitter. Criteria: Invitae Variant Classification Sherloc (09022015). Collection method: clinical testing. Allele origin: germline.
Comment: In summary, the available evidence is currently insufficient to determine the role of this variant in disease. Therefore, it has been classified as a Variant of Uncertain Significance. An algorithm developed to predict the effect of missense changes on protein structure and function (PolyPhen-2) suggests that this variant is likely to be disruptive. ClinVar contains an entry for this variant (Variation ID: 862023). This variant has not been reported in the literature in individuals affected with TRPV4-related conditions. This variant is present in population databases (no rsID available, gnomAD 0.04%). This sequence change replaces glutamic acid, which is acidic and polar, with leucine, which is neutral and non-polar, at codon 363 of the TRPV4 protein (p.Glu363Leu).